The following is an entry in ClinVar:

ClinVar aggregate classification (germline): Uncertain significance. Review status: criteria provided, multiple submitters, no conflicts (2 of 4 stars). 4 submissions from 4 submitters: Uncertain significance (4). Last evaluated 2025-01-03.

Conditions:
Familial melanoma. Also called: Hereditary melanoma; Hereditary cutaneous melanoma. Identifiers: Orphanet 618, MedGen C1512419, MONDO:0018961.
Hereditary cancer-predisposing syndrome. Also called: Neoplastic Syndromes, Hereditary; Hereditary Cancer Syndrome; Tumor predisposition; Hereditary neoplastic syndrome. Identifiers: Orphanet 140162, MedGen C0027672, MeSH D009386, MONDO:0015356.
Melanoma and neural system tumor syndrome. Also called: MELANOMA-ASTROCYTOMA SYNDROME. Identifiers: Orphanet 252206, MedGen C1835042, MONDO:0007967, OMIM 155755.

Allele frequency attached by ClinVar (database versions not stated): ExAC 0.00001; gnomAD exomes below 0.00001.
gnomAD v4.1: 4 of 1,602,942 alleles (0.00025%); highest among the groups gnomAD compares: East Asian, 0.0089%; no homozygotes.

Submissions (4):

Ambry Genetics
Classification: Uncertain significance for Hereditary cancer-predisposing syndrome. Last evaluated: 2025-01-03. Review status: criteria provided, single submitter. Criteria: Ambry Variant Classification Scheme 2023. Collection method: clinical testing. Allele origin: germline.
Comment: The p.Q57R variant (also known as c.170A>G), located in coding exon 1 of the CDKN2A p14(ARF) gene, results from an A to G substitution at nucleotide position 170. The glutamine at codon 57 is replaced by arginine, an amino acid with highly similar properties. This amino acid position is not well conserved in available vertebrate species. In addition, this alteration is predicted to be tolerated by in silico analysis. Since supporting evidence is limited at this time, the clinical significance of this alteration remains unclear.

Baylor Genetics
Classification: Uncertain significance for Melanoma and neural system tumor syndrome. Last evaluated: 2023-12-14. Review status: criteria provided, single submitter. Criteria: ACMG Guidelines, 2015. Collection method: clinical testing. Allele origin: unknown.

GeneDx
Classification: Uncertain significance. Last evaluated: 2022-04-27. Review status: criteria provided, single submitter. Criteria: GeneDx Variant Classification Process June 2021. Collection method: clinical testing. Allele origin: germline. Affected: yes.
Comment: Not observed at significant frequency in large population cohorts (gnomAD); In silico analysis supports that this missense variant does not alter protein structure/function; Has not been previously published as pathogenic or benign to our knowledge; This variant is associated with the following publications: (PMID: 23661601, 9653180, 9529249, 16173922)

Labcorp Genetics (formerly Invitae), Labcorp
Classification: Uncertain significance for Familial melanoma. Last evaluated: 2021-12-09. Review status: criteria provided, single submitter. Criteria: Invitae Variant Classification Sherloc (09022015). Collection method: clinical testing. Allele origin: germline.
Comment: This sequence change replaces glutamine, which is neutral and polar, with arginine, which is basic and polar, at codon 57 of the CDKN2A (p14ARF) protein (p.Gln57Arg). This variant is present in population databases (rs774711850, gnomAD 0.006%). This variant has not been reported in the literature in individuals affected with CDKN2A (p14ARF)-related conditions. ClinVar contains an entry for this variant (Variation ID: 421642). Algorithms developed to predict the effect of missense changes on protein structure and function output the following: SIFT: "Tolerated"; PolyPhen-2: "Benign"; Align-GVGD: "Class C0". The arginine amino acid residue is found in multiple mammalian species, which suggests that this missense change does not adversely affect protein function. In summary, the available evidence is currently insufficient to determine the role of this variant in disease. Therefore, it has been classified as a Variant of Uncertain Significance.

NM_058195.4(CDKN2A):c.170A>G (p.Gln57Arg)

Gene: CDKN2A (cyclin dependent kinase inhibitor 2A; minus strand). Cytogenetic location: 9p21.3.
Variant type: single nucleotide variant.
Coding change: c.170A>G on transcript NM_058195.4 (MANE Plus Clinical); coding-DNA position 170, A replaced by G.
Protein change: p.Gln57Arg; replaces glutamine 57 with arginine.
Molecular consequence: missense variant. On other transcripts: intron variant (1).
Genome position (GRCh38, 1-based): chr9:21,994,162, T>C on the plus strand (A>G on the coding strand, the complement: CDKN2A is on the minus strand). VCF-style: chr9-21994162-T-C. GRCh37 (hg19) VCF-style: chr9-21994161-T-C.
Other names: c.-4+659A>G (NM_001363763.2); short protein forms Q57R.
Identifiers: ClinVar variation 421642 (VCV000421642.15), dbSNP rs774711850, ClinGen allele CA5012378.